The following is an entry in ClinVar:

NM_004530.6(MMP2):c.1588G>A (p.Glu530Lys)

Gene: MMP2 (matrix metallopeptidase 2; plus strand). Cytogenetic location: 16q12.2.
Variant type: single nucleotide variant.
Coding change: c.1588G>A on transcript NM_004530.6 (MANE Select); coding-DNA position 1588, G replaced by A.
Protein change: p.Glu530Lys; replaces glutamic acid 530 with lysine.
Molecular consequence: missense variant.
Genome position (GRCh38, 1-based): chr16:55,497,041, G>A. VCF-style: chr16-55497041-G-A. GRCh37 (hg19) VCF-style: chr16-55530953-G-A.
Other names: c.1438G>A, p.Glu480Lys (NM_001127891.3); c.1360G>A, p.Glu454Lys (NM_001302508.1, NM_001302509.2, NM_001302510.2); short protein forms E454K, E530K, E480K.
Identifiers: ClinVar variation 1982489 (VCV001982489.4), dbSNP rs143089417, ClinGen allele CA281400765.

ClinVar aggregate classification (germline): Uncertain significance (1 of 4 stars; one submission).

Allele frequency attached by ClinVar (database versions not stated): gnomAD 0.00001; TOPMed 0.00003; ESP Exome Variant Server 0.00008; gnomAD exomes 0.00011.

Submission:

Labcorp Genetics (formerly Invitae), Labcorp
Classification: Uncertain significance. Last evaluated: 2022-03-13. Review status: criteria provided, single submitter. Criteria: Invitae Variant Classification Sherloc (09022015). Collection method: clinical testing. Allele origin: germline.
Comment: This sequence change replaces glutamic acid, which is acidic and polar, with lysine, which is basic and polar, at codon 530 of the MMP2 protein (p.Glu530Lys). In summary, the available evidence is currently insufficient to determine the role of this variant in disease. Therefore, it has been classified as a Variant of Uncertain Significance. Algorithms developed to predict the effect of missense changes on protein structure and function (SIFT, PolyPhen-2, Align-GVGD) all suggest that this variant is likely to be tolerated. This variant has not been reported in the literature in individuals affected with MMP2-related conditions. This variant is present in population databases (rs143089417, gnomAD 0.004%).